The following is an entry in ClinVar:

ClinVar aggregate classification (germline): Uncertain significance. Review status: criteria provided, multiple submitters, no conflicts (2 of 4 stars). 3 submissions from 3 submitters: Uncertain significance (3). Last evaluated 2025-07-01.

Conditions:
Primary ciliary dyskinesia. Also called: Ciliary dyskinesia. Identifiers: Orphanet 244, MedGen C0008780, MONDO:0016575, HP:0012265.

Allele frequency attached by ClinVar (database versions not stated): TOPMed below 0.00001; gnomAD 0.00001.
gnomAD v4.1: 15 of 1,294,574 alleles (0.0012%); highest among the groups gnomAD compares: South Asian, 0.0019%; no homozygotes.

Submissions (3):

CeGaT Center for Human Genetics Tuebingen
Classification: Uncertain significance. Last evaluated: 2025-07-01. Review status: criteria provided, single submitter. Criteria: CeGaT Center For Human Genetics Tuebingen Variant Classification Criteria Version 2. Collection method: clinical testing. Allele origin: germline. Affected: yes. Observed: 1 variant allele.
Comment: DNAAF5: PM2

Ambry Genetics
Classification: Uncertain significance for Primary ciliary dyskinesia. Last evaluated: 2024-07-26. Review status: criteria provided, single submitter. Criteria: Ambry Variant Classification Scheme 2023. Collection method: clinical testing. Allele origin: germline.

Labcorp Genetics (formerly Invitae), Labcorp
Classification: Uncertain significance for Primary ciliary dyskinesia. Last evaluated: 2022-04-13. Review status: criteria provided, single submitter. Criteria: Invitae Variant Classification Sherloc (09022015). Collection method: clinical testing. Allele origin: germline.
Comment: This variant has not been reported in the literature in individuals affected with DNAAF5-related conditions. Algorithms developed to predict the effect of missense changes on protein structure and function are either unavailable or do not agree on the potential impact of this missense change (SIFT: "Deleterious"; PolyPhen-2: "Possibly Damaging"; Align-GVGD: "Class C0"). In summary, the available evidence is currently insufficient to determine the role of this variant in disease. Therefore, it has been classified as a Variant of Uncertain Significance. This variant is not present in population databases (gnomAD no frequency). This sequence change replaces aspartic acid, which is acidic and polar, with tyrosine, which is neutral and polar, at codon 87 of the DNAAF5 protein (p.Asp87Tyr).

NM_017802.4(DNAAF5):c.259G>T (p.Asp87Tyr)

Genes: DNAAF5 (dynein axonemal assembly factor 5; plus strand), PRKAR1B (protein kinase cAMP-dependent type I regulatory subunit beta; minus strand). Cytogenetic location: 7p22.3.
Variant type: single nucleotide variant.
Coding change: c.259G>T on transcript NM_017802.4 (MANE Select); coding-DNA position 259, G replaced by T.
Protein change: p.Asp87Tyr; replaces aspartic acid 87 with tyrosine.
Molecular consequence: missense variant. On other transcripts: non-coding transcript variant (1), intron variant (3).
Genome position (GRCh38, 1-based): chr7:726,979, G>T. VCF-style: chr7-726979-G-T. GRCh37 (hg19) VCF-style: chr7-766616-G-T.
Other names: c.-23+676C>A (NM_001164759.1); c.-23+611C>A (NM_001164758.2); c.-23+231C>A (NM_001164760.2); short protein forms D87Y.
Identifiers: ClinVar variation 1932033 (VCV001932033.14), dbSNP rs929444289, ClinGen allele CA152333406.